The following is an entry in ClinVar:

ClinVar aggregate classification (germline): Uncertain significance (1 of 4 stars; one submission).

Allele frequency attached by ClinVar (database versions not stated): gnomAD exomes below 0.00001 and 0.00001.

Submission:

Labcorp Genetics (formerly Invitae), Labcorp
Classification: Uncertain significance. Last evaluated: 2022-10-17. Review status: criteria provided, single submitter. Criteria: Invitae Variant Classification Sherloc (09022015). Collection method: clinical testing. Allele origin: germline.
Comment: In summary, the available evidence is currently insufficient to determine the role of this variant in disease. Therefore, it has been classified as a Variant of Uncertain Significance. Experimental studies and prediction algorithms are not available or were not evaluated, and the functional significance of this variant is currently unknown. ClinVar contains an entry for this variant (Variation ID: 1347869). This variant has not been reported in the literature in individuals affected with GPR179-related conditions. This variant is present in population databases (no rsID available, gnomAD 0.01%). This sequence change creates a premature translational stop signal (p.Lys1213Serfs*67) in the GPR179 gene. While this is not anticipated to result in nonsense mediated decay, it is expected to disrupt the last 1155 amino acid(s) of the GPR179 protein.

NM_001004334.4(GPR179):c.3636del (p.Lys1213fs)

Gene: GPR179 (G protein-coupled receptor 179; minus strand). Cytogenetic location: 17q12.
Variant type: Deletion.
Coding change: c.3636del on transcript NM_001004334.4 (MANE Select); coding-DNA position 3636, one base deleted (C; older notation c.3636delC).
Protein change: p.Lys1213fs; shifts the reading frame from lysine 1213.
Molecular consequence: frameshift variant.
Genome position (GRCh38, 1-based): chr17:38,329,933, G deleted on the plus strand (C on the coding strand, the reverse complement: GPR179 is on the minus strand). VCF-style (leftmost placement, unchanged base first): chr17-38329932-TG-T. GRCh37 (hg19) VCF-style: chr17-36485815-TG-T.
Other names: short protein forms K1213fs.
Identifiers: ClinVar variation 1347869 (VCV001347869.6), dbSNP rs1470579801, ClinGen allele CA771683403.